The following is an entry in ClinVar:

ClinVar aggregate classification (germline): Pathogenic. Review status: criteria provided, multiple submitters, no conflicts (2 of 4 stars). 4 submissions from 4 submitters: Pathogenic (3). 1 of the submissions does not count toward it. Last evaluated 2024-10-31.

Conditions:
EZH2-related disorder.
Weaver syndrome (WVS). Also called: Weaver Smith syndrome; Overgrowth syndrome with accelerated skeletal maturation, unusual facies, and camptodactyly. Identifiers: Orphanet 3447, MedGen C0265210, MONDO:0010193, OMIM 277590.

gnomAD v4.1: 2 of 1,613,014 alleles (0.00012%); highest among the groups gnomAD compares: Non-Finnish European, 0.00017%; no homozygotes.

Submissions (4):

Labcorp Genetics (formerly Invitae), Labcorp
Classification: Pathogenic for Weaver syndrome. Last evaluated: 2024-10-31. Review status: criteria provided, single submitter. Criteria: Invitae Variant Classification Sherloc (09022015). Collection method: clinical testing. Allele origin: germline.
Comment: This sequence change replaces valine, which is neutral and non-polar, with methionine, which is neutral and non-polar, at codon 626 of the EZH2 protein (p.Val626Met). This variant is not present in population databases (gnomAD no frequency). This missense change has been observed in individual(s) with Weaver Syndrome (PMID: 29244146). In at least one individual the variant was observed to be de novo. ClinVar contains an entry for this variant (Variation ID: 158579). Invitae Evidence Modeling of protein sequence and biophysical properties (such as structural, functional, and spatial information, amino acid conservation, physicochemical variation, residue mobility, and thermodynamic stability) indicates that this missense variant is expected to disrupt EZH2 protein function with a positive predictive value of 80%. Experimental studies have shown that this missense change affects EZH2 function (PMID: 29244146). For these reasons, this variant has been classified as Pathogenic.

MGZ Medical Genetics Center
Classification: Pathogenic for Weaver syndrome. Last evaluated: 2021-07-30. Review status: criteria provided, single submitter. Criteria: ACMG Guidelines, 2015. Collection method: clinical testing. Allele origin: germline. Affected: yes. Observed: 1 variant allele.
Comment: ACMG criteria applied: PS2, PS3, PM2_SUP, PP3

Genetic Services Laboratory, University of Chicago
Classification: Pathogenic for Weaver syndrome. Last evaluated: 2014-04-09. Review status: criteria provided, single submitter. Criteria: ACMG Guidelines, 2007. Collection method: clinical testing. Allele origin: germline. Inheritance: Autosomal dominant inheritance. Affected: yes.

Cincinnati Center for Growth Disorders, Cincinnati Children's Hospital Medical Center
Classification: Pathogenic for Weaver syndrome. Review status: no assertion criteria provided. Collection method: research. Allele origin: de novo. Inheritance: Sporadic. Affected: yes. Observed: 1 variant allele, 1 heterozygote. Not counted in ClinVar's aggregate classification.
Comment: This is a de novo variant in EZH2. This same variant is already in ClinVar in another patient with Weaver Syndrome.

Literature cited by the submitters: PubMed 29244146 (cited by Labcorp Genetics (formerly Invitae), Labcorp).

NM_004456.5(EZH2):c.1876G>A (p.Val626Met)

Gene: EZH2 (enhancer of zeste 2 polycomb repressive complex 2 subunit; minus strand). Cytogenetic location: 7q36.1.
Variant type: single nucleotide variant.
Coding change: c.1876G>A on transcript NM_004456.5 (MANE Select); coding-DNA position 1876, G replaced by A.
Protein change: p.Val626Met; replaces valine 626 with methionine.
Molecular consequence: missense variant.
Genome position (GRCh38, 1-based): chr7:148,811,696, C>T on the plus strand (G>A on the coding strand, the complement: EZH2 is on the minus strand). VCF-style: chr7-148811696-C-T. GRCh37 (hg19) VCF-style: chr7-148508788-C-T.
Other names: c.1834G>A, p.Val612Met (NM_001203248.2); c.1708G>A, p.Val570Met (NM_001203249.2); c.1744G>A, p.Val582Met (NM_152998.3); c.1861G>A, p.Val621Met (NM_001203247.2); short protein forms V626M, V570M, V582M, V612M, V621M.
Identifiers: ClinVar variation 158579 (VCV000158579.11), dbSNP rs587783625, ClinGen allele CA271506.
Genomic context (GRCh38, chr7:148,811,696, plus strand): 5'-ATTCTGAGATGAATTCATTTTTCTGCACAGGATCTTTGATAAAAATCCCCCAGCCTGCCA[C>T]GTCAGATGGTGCCAGCAATAGATGCTAGAGAATAAAACACAATCACATCATCAAAAAAGG-3'
Protein context (NP_004447.2, residues 616-636): KKHLLLAPSD[Val626Met]AGWGIFIKDP